The following is an entry in ClinVar:

NC_012920.1(MT-TW):m.5560G>A

Gene: MT-TW (mitochondrially encoded tRNA tryptophan; plus strand).
Variant type: single nucleotide variant.
Genome position: chrM-5560-G-A.
Identifiers: ClinVar variation 689942 (VCV000689942.1), dbSNP rs1603220026, ClinGen allele CA658475656.

ClinVar aggregate classification (germline): Uncertain significance (1 of 4 stars; one submission).

Conditions:
MELAS syndrome (MELAS). Also called: Juvenile myopathy, encephalopathy, lactic acidosis, stroke. Identifiers: Orphanet 550, MedGen C0162671, MONDO:0010789, OMIM 540000.

Submission:

Wong Mito Lab, Molecular and Human Genetics, Baylor College of Medicine
Classification: Uncertain significance for MELAS syndrome. Last evaluated: 2019-07-12. Review status: criteria provided, single submitter. Criteria: Modified ACMG Guidelines (Unpublished). Collection method: clinical testing. Allele origin: germline.
Comment: The NC_012920.1:m.5560G>A variant in MT-TW gene is interpreted to be a Unknown Significance variant based on the modified ACMG guidelines (unpublished). This variant meets the following evidence codes reported in the guidelines: PP3, PP7

Literature cited by the submitters: PubMed 31965079.